The following is an entry in ClinVar:

NM_032242.4(PLXNA1):c.2713G>T (p.Val905Leu)

Gene: PLXNA1 (plexin A1; plus strand). Cytogenetic location: 3q21.3.
Variant type: single nucleotide variant.
Coding change: c.2713G>T on transcript NM_032242.4 (MANE Select); coding-DNA position 2713, G replaced by T.
Protein change: p.Val905Leu; replaces valine 905 with leucine.
Molecular consequence: missense variant.
Genome position (GRCh38, 1-based): chr3:127,014,586, G>T. VCF-style: chr3-127014586-G-T. GRCh37 (hg19) VCF-style: chr3-126733429-G-T.
Other names: short protein forms V905L.
Identifiers: ClinVar variation 3351908 (VCV003351908.1).

ClinVar aggregate classification (germline): Uncertain significance (0 of 4 stars; one submission).

Conditions:
PLXNA1-related disorder. Also called: PLXNA1-related condition.

Submission:

PreventionGenetics, part of Exact Sciences
Classification: Uncertain significance for PLXNA1-related condition. Last evaluated: 2024-04-02. Review status: no assertion criteria provided. Collection method: clinical testing. Allele origin: germline.
Comment: The PLXNA1 c.2713G>T variant is predicted to result in the amino acid substitution p.Val905Leu. To our knowledge, this variant has not been reported in the literature. This variant is reported in 0.0055% of alleles in individuals of European (Non-Finnish) descent in gnomAD. At this time, the clinical significance of this variant is uncertain due to the absence of conclusive functional and genetic evidence.